The following is an entry in ClinVar:

ClinVar aggregate classification (germline): Uncertain significance (1 of 4 stars; one submission).

Conditions:
Pitt-Hopkins-like syndrome 2 (PTHSL2). Identifiers: Orphanet 221150, Orphanet 600663, MedGen C3280479, MONDO:0013690, OMIM 614325.

Submission:

Labcorp Genetics (formerly Invitae), Labcorp
Classification: Uncertain significance for Pitt-Hopkins-like syndrome 2. Last evaluated: 2022-09-21. Review status: criteria provided, single submitter. Criteria: Invitae Variant Classification Sherloc (09022015). Collection method: clinical testing. Allele origin: germline.
Comment: In summary, the available evidence is currently insufficient to determine the role of this variant in disease. Therefore, it has been classified as a Variant of Uncertain Significance. Advanced modeling of protein sequence and biophysical properties (such as structural, functional, and spatial information, amino acid conservation, physicochemical variation, residue mobility, and thermodynamic stability) performed at Invitae indicates that this missense variant is not expected to disrupt NRXN1 protein function. This variant has not been reported in the literature in individuals affected with NRXN1-related conditions. This variant is not present in population databases (gnomAD no frequency). This sequence change replaces serine, which is neutral and polar, with threonine, which is neutral and polar, at codon 1460 of the NRXN1 protein (p.Ser1460Thr).

NM_001330078.2(NRXN1):c.4258T>A (p.Ser1420Thr)

Gene: NRXN1 (neurexin 1; minus strand). Cytogenetic location: 2p16.3.
Variant type: single nucleotide variant.
Coding change: c.4258T>A on transcript NM_001330078.2 (MANE Select); coding-DNA position 4258, T replaced by A.
Protein change: p.Ser1420Thr; replaces serine 1420 with threonine.
Molecular consequence: missense variant.
Genome position (GRCh38, 1-based): chr2:49,922,210, A>T on the plus strand (T>A on the coding strand, the complement: NRXN1 is on the minus strand). VCF-style: chr2-49922210-A-T. GRCh37 (hg19) VCF-style: chr2-50149348-A-T.
Other names: c.4378T>A, p.Ser1460Thr (NM_001135659.3); c.163T>A, p.Ser55Thr (NM_001320156.4); c.154T>A, p.Ser52Thr (NM_001320157.4); c.4234T>A, p.Ser1412Thr (NM_001330077.2); c.4225T>A, p.Ser1409Thr (NM_001330082.2); c.4093T>A, p.Ser1365Thr (NM_001330083.2); c.4192T>A, p.Ser1398Thr (NM_001330084.2); c.4231T>A, p.Ser1411Thr (NM_001330085.2); and 12 more; short protein forms S1350T, S1390T, S1409T, S1412T, S1460T, S355T, S382T, S1413T.
Identifiers: ClinVar variation 1992237 (VCV001992237.4), dbSNP rs2465626591, ClinGen allele CA346818741.